The following is an entry in ClinVar:

NM_001040142.2(SCN2A):c.2944C>A (p.Leu982Ile)

Gene: SCN2A (sodium voltage-gated channel alpha subunit 2; plus strand). Cytogenetic location: 2q24.3.
Variant type: single nucleotide variant.
Coding change: c.2944C>A on transcript NM_001040142.2 (MANE Select); coding-DNA position 2944, C replaced by A.
Protein change: p.Leu982Ile; replaces leucine 982 with isoleucine.
Molecular consequence: missense variant.
Genome position (GRCh38, 1-based): chr2:165,354,216, C>A. VCF-style: chr2-165354216-C-A. GRCh37 (hg19) VCF-style: chr2-166210726-C-A.
Other names: c.2944C>A, p.Leu982Ile (NM_001040143.2, NM_001371246.1, NM_001371247.1 and 1 more transcripts); short protein forms L982I.
Identifiers: ClinVar variation 4075688 (VCV004075688.1).
Genomic context (GRCh38, chr2:165,354,216, plus strand): 5'-ATGTTTTGATCACCTGTTTTTCCTGCTGTGTTTCAGGTTCTGAACCTCTTCTTGGCCTTG[C>A]TTTTGAGTTCCTTCAGTTCTGACAATCTTGCTGCCACTGATGATGATAACGAAATGAATA-3'
Protein context (NP_001035232.1, residues 972-992): LVVLNLFLAL[Leu982Ile]LSSFSSDNLA

ClinVar aggregate classification (germline): Uncertain significance (1 of 4 stars; one submission).

Submission:

GeneDx
Classification: Uncertain significance. Last evaluated: 2025-02-13. Review status: criteria provided, single submitter. Criteria: GeneDx Variant Classification Process June 2021. Collection method: clinical testing. Allele origin: germline. Affected: yes.
Comment: Not observed at significant frequency in large population cohorts (gnomAD); In silico analysis indicates that this missense variant does not alter protein structure/function; This substitution is predicted to be within the transmembrane segment S6 of the second homologous domain; Has not been previously published as pathogenic or benign to our knowledge